The following is an entry in ClinVar:

NM_000313.4(PROS1):c.38C>A (p.Ala13Glu)

Gene: PROS1 (protein S; minus strand). Cytogenetic location: 3q11.1.
Variant type: single nucleotide variant.
Coding change: c.38C>A on transcript NM_000313.4 (MANE Select); coding-DNA position 38, C replaced by A.
Protein change: p.Ala13Glu; replaces alanine 13 with glutamic acid.
Molecular consequence: missense variant.
Genome position (GRCh38, 1-based): chr3:93,973,712, G>T on the plus strand (C>A on the coding strand, the complement: PROS1 is on the minus strand). VCF-style: chr3-93973712-G-T. GRCh37 (hg19) VCF-style: chr3-93692556-G-T.
Other names: p.Ala13Glu; c.38C>A, p.Ala13Glu (NM_001314077.2); short protein forms A13E.
Identifiers: ClinVar variation 4540906 (VCV004540906.1).

ClinVar aggregate classification (germline): Uncertain significance (1 of 4 stars; one submission).

Submission:

Mayo Clinic Laboratories, Mayo Clinic
Classification: Uncertain significance. Last evaluated: 2025-01-15. Review status: criteria provided, single submitter. Criteria: ACMG Guidelines, 2015. Collection method: clinical testing. Allele origin: germline. Observed: 1 variant allele.
Comment: PM2_supporting

Literature cited by the submitters: PubMed 30669159.